The following is an entry in ClinVar:

NM_000321.3(RB1):c.377del (p.Ile126fs)

Gene: RB1 (RB transcriptional corepressor 1; plus strand). Cytogenetic location: 13q14.2.
Variant type: Deletion.
Coding change: c.377del on transcript NM_000321.3 (MANE Select); coding-DNA position 377, one base deleted (T; older notation c.377delT).
Protein change: p.Ile126fs; shifts the reading frame from isoleucine 126.
Molecular consequence: frameshift variant.
Genome position (GRCh38, 1-based): chr13:48,342,711, T deleted. VCF-style (leftmost placement, unchanged base first): chr13-48342710-AT-A. GRCh37 (hg19) VCF-style: chr13-48916846-AT-A.
Other names: short protein forms I126fs.
Identifiers: ClinVar variation 1076189 (VCV001076189.9), dbSNP rs2138084130, ClinGen allele CA2499222426.

ClinVar aggregate classification (germline): Pathogenic. Review status: criteria provided, multiple submitters, no conflicts (2 of 4 stars). 2 submissions from 2 submitters: Pathogenic (2). Last evaluated 2020-03-16.

Conditions:
Hereditary cancer-predisposing syndrome. Also called: Tumor predisposition; Hereditary neoplastic syndrome; Neoplastic Syndromes, Hereditary; Hereditary Cancer Syndrome. Identifiers: Orphanet 140162, MedGen C0027672, MeSH D009386, MONDO:0015356.
Retinoblastoma (RB1). Also called: RETINOBLASTOMA, SOMATIC. Identifiers: Orphanet 790, MedGen C0035335, MeSH D012175, MONDO:0008380, OMIM 180200, HP:0009919. Disease mechanism: loss of function. Inheritance: Both sporadic and heritable forms are tested..

Submissions (2):

Labcorp Genetics (formerly Invitae), Labcorp
Classification: Pathogenic for Retinoblastoma. Last evaluated: 2020-03-16. Review status: criteria provided, single submitter. Criteria: Invitae Variant Classification Sherloc (09022015). Collection method: clinical testing. Allele origin: germline.
Comment: For these reasons, this variant has been classified as Pathogenic. Loss-of-function variants in RB1 are known to be pathogenic (PMID: 17096365). This variant has not been reported in the literature in individuals with RB1-related conditions. This variant is not present in population databases (ExAC no frequency). This sequence change creates a premature translational stop signal (p.Ile126Thrfs*10) in the RB1 gene. It is expected to result in an absent or disrupted protein product.

Ambry Genetics
Classification: Pathogenic for Hereditary cancer-predisposing syndrome. Last evaluated: 2017-03-14. Review status: criteria provided, single submitter. Criteria: Ambry Variant Classification Scheme 2023. Collection method: clinical testing. Allele origin: germline.
Comment: The c.377delT pathogenic mutation, located in coding exon 3 of the RB1 gene, results from a deletion of one nucleotide at nucleotide position 377, causing a translational frameshift with a predicted alternate stop codon (p.I126Tfs*10). This alteration is expected to result in loss of function by premature protein truncation or nonsense-mediated mRNA decay. As such, this alteration is interpreted as a disease-causing mutation.

Literature cited by the submitters: PubMed 17096365 (cited by Labcorp Genetics (formerly Invitae), Labcorp).